The following is an entry in ClinVar:

NM_033004.4(NLRP1):c.2510G>A (p.Cys837Tyr)

Gene: NLRP1 (NLR family pyrin domain containing 1; minus strand). Cytogenetic location: 17p13.2.
Variant type: single nucleotide variant.
Coding change: c.2510G>A on transcript NM_033004.4 (MANE Select); coding-DNA position 2510, G replaced by A.
Protein change: p.Cys837Tyr; replaces cysteine 837 with tyrosine.
Molecular consequence: missense variant.
Genome position (GRCh38, 1-based): chr17:5,553,404, C>T on the plus strand (G>A on the coding strand, the complement: NLRP1 is on the minus strand). VCF-style: chr17-5553404-C-T. GRCh37 (hg19) VCF-style: chr17-5456724-C-T.
Other names: c.2510G>A, p.Cys837Tyr (NM_001033053.3, NM_014922.5, NM_033006.4 and 1 more transcripts); short protein forms C837Y.
Identifiers: ClinVar variation 2804860 (VCV002804860.3), dbSNP rs200457047, ClinGen allele CA8327151.

ClinVar aggregate classification (germline): Uncertain significance (1 of 4 stars; one submission).

Allele frequency attached by ClinVar (database versions not stated): ExAC 0.00001; gnomAD exomes 0.00001.
gnomAD v4.1: 14 of 1,613,140 alleles (0.00087%); highest among the groups gnomAD compares: East Asian, 0.0022%; no homozygotes.

Submission:

Labcorp Genetics (formerly Invitae), Labcorp
Classification: Uncertain significance. Last evaluated: 2024-02-17. Review status: criteria provided, single submitter. Criteria: Invitae Variant Classification Sherloc (09022015). Collection method: clinical testing. Allele origin: germline.
Comment: This sequence change replaces cysteine, which is neutral and slightly polar, with tyrosine, which is neutral and polar, at codon 837 of the NLRP1 protein (p.Cys837Tyr). This variant is present in population databases (rs200457047, gnomAD 0.006%). This variant has not been reported in the literature in individuals affected with NLRP1-related conditions. An algorithm developed to predict the effect of missense changes on protein structure and function (PolyPhen-2) suggests that this variant is likely to be disruptive. In summary, the available evidence is currently insufficient to determine the role of this variant in disease. Therefore, it has been classified as a Variant of Uncertain Significance.